The following is an entry in ClinVar:

ClinVar aggregate classification (germline): Pathogenic/Likely pathogenic. Review status: criteria provided, multiple submitters, no conflicts (2 of 4 stars). 7 submissions from 7 submitters: Pathogenic (6); Likely pathogenic (1). Last evaluated 2026-06-05.

Conditions:
Hypophosphatasia. Also called: Phosphoethanol-aminuria. Identifiers: Orphanet 436, MedGen C0020630, MeSH D007014, MONDO:0018570.
ALPL-related disorder. Also called: ALPL-related disorders; ALPL-related condition.
Infantile hypophosphatasia. Identifiers: Orphanet 247651, Orphanet 436, MedGen C0268412, MONDO:1010169, OMIM 241500, MONDO:0009427.
Adult hypophosphatasia. Identifiers: Orphanet 247676, Orphanet 436, MedGen C0268413, MONDO:1010154, OMIM 146300, MONDO:0007798.
Childhood hypophosphatasia. Identifiers: Orphanet 247667, Orphanet 436, MedGen C0220743, MONDO:1010168, OMIM 241510, MONDO:0009428.

Allele frequency attached by ClinVar (database versions not stated): TOPMed below 0.00001; gnomAD 0.00001.
gnomAD v4.1: 4 of 1,610,424 alleles (0.00025%); highest among the groups gnomAD compares: Non-Finnish European, 0.00034%; no homozygotes.

Submissions (7):

PreventionGenetics, part of Exact Sciences
Classification: Pathogenic for ALPL-related condition. Last evaluated: 2026-06-05. Review status: criteria provided, single submitter. Criteria: ACMG Guidelines, 2015. Collection method: clinical testing. Allele origin: germline.
Comment: The ALPL c.1402G>A variant is predicted to result in the amino acid substitution p.Ala468Thr. This variant has been reported in the homozygous state in two individuals with hypophosphatasia (described as p.Ala451Thr, Spentchian et al. 2003. PubMed ID: 12815606; Ramadza et al. 2009. PubMed ID: 20102078) and has been reported as likely pathogenic/pathogenic in two studies (Table S5, MacCarrick et al. 2024. PubMed ID: 38702915; Farman et al. 2025. PubMed ID: 40386289). Functional studies suggest this variant leads to decreased alkaline phosphatase activity (Table S2, Del Angel et al. 2020. PubMed ID: 32160374). An alternate missense change (p.Ala468Val) at the same amino acid position has been reported to be causative for hypophosphatasia (Okawa et al. 2019. PubMed ID: 31600233; Noda et al. 2024. PubMed ID: 39925621). This variant has not been reported in a large population database (gnomAD), indicating this variant is rare. This variant is interpreted as pathogenic.

CeGaT Center for Human Genetics Tuebingen
Classification: Pathogenic. Last evaluated: 2026-05-01. Review status: criteria provided, single submitter. Criteria: CeGaT Center For Human Genetics Tuebingen Variant Classification Criteria Version 2. Collection method: clinical testing. Allele origin: germline. Affected: yes. Observed: 1 variant allele.
Comment: ALPL: PM2, PM5, PP4:Moderate, PS3:Moderate, PM3:Supporting, PP3

Genomenon, Inc
Classification: Pathogenic for Hypophosphatasia. Last evaluated: 2025-08-29. Review status: criteria provided, single submitter. Criteria: Genomenon Sequence Variant Interpretation Standards. Collection method: curation. Allele origin: germline. Affected: yes.
Comment: ALPL p.Ala468Thr (c.1402G>A) is a missense variant that changes the amino acid at residue 468 from Alanine to Threonine. This variant has been observed in at least one proband affected with hypophosphatasia (PMID:32160374;12815606). At least one functional study has demonstrated a substantial alteration in protein function relative to the wild-type (PMID:32160374). It is absent or not present at a significant frequency in gnomAD. In silico models agree that this variant is possibly or probably damaging. In conclusion, we classify ALPL p.Ala468Thr (c.1402G>A) as a pathogenic variant.

Labcorp Genetics (formerly Invitae), Labcorp
Classification: Pathogenic. Last evaluated: 2025-06-22. Review status: criteria provided, single submitter. Criteria: Invitae Variant Classification Sherloc (09022015). Collection method: clinical testing. Allele origin: germline.
Comment: This sequence change replaces alanine, which is neutral and non-polar, with threonine, which is neutral and polar, at codon 468 of the ALPL protein (p.Ala468Thr). This variant is not present in population databases (gnomAD no frequency). This missense change has been observed in individual(s) with ALPL-related conditions (PMID: 12815606). This variant is also known as p.A451T. ClinVar contains an entry for this variant (Variation ID: 1457578). Invitae Evidence Modeling of protein sequence and biophysical properties (such as structural, functional, and spatial information, amino acid conservation, physicochemical variation, residue mobility, and thermodynamic stability) indicates that this missense variant is expected to disrupt ALPL protein function with a positive predictive value of 95%. This variant disrupts the p.Ala468 amino acid residue in ALPL. Other variant(s) that disrupt this residue have been determined to be pathogenic (internal data). This suggests that this residue is clinically significant, and that variants that disrupt this residue are likely to be disease-causing. For these reasons, this variant has been classified as Pathogenic.

JKU Lab, Dept of Paediatrics, Johannes Kepler University
Classification: Pathogenic for Hypophosphatasia. Last evaluated: 2024-02-13. Review status: criteria provided, single submitter. Criteria: ACMG Guidelines, 2015. Collection method: clinical testing. Allele origin: germline. Affected: yes. Observed: 1 heterozygote.
Comment: Absent in GnomAD.

Fulgent Genetics
Classification: Pathogenic for Adult hypophosphatasia; Infantile hypophosphatasia; Childhood hypophosphatasia. Last evaluated: 2024-01-22. Review status: criteria provided, single submitter. Criteria: ACMG Guidelines, 2015. Collection method: clinical testing. Allele origin: germline.

Baylor Genetics
Classification: Likely pathogenic for Adult hypophosphatasia. Last evaluated: 2023-11-11. Review status: criteria provided, single submitter. Criteria: ACMG Guidelines, 2015. Collection method: clinical testing. Allele origin: unknown.

Literature cited by the submitters: PubMed 32160374 (cited by Genomenon, Inc); PubMed 12815606 (cited by Genomenon, Inc and Labcorp Genetics (formerly Invitae), Labcorp).

NM_000478.6(ALPL):c.1402G>A (p.Ala468Thr)

Gene: ALPL (alkaline phosphatase, biomineralization associated; plus strand). Cytogenetic location: 1p36.12.
Variant type: single nucleotide variant.
Coding change: c.1402G>A on transcript NM_000478.6 (MANE Select); coding-DNA position 1402, G replaced by A.
Protein change: p.Ala468Thr; replaces alanine 468 with threonine.
Molecular consequence: missense variant.
Genome position (GRCh38, 1-based): chr1:21,577,475, G>A. VCF-style: chr1-21577475-G-A. GRCh37 (hg19) VCF-style: chr1-21903968-G-A.
Other names: c.1402G>A (NM_000478.5); c.1237G>A, p.Ala413Thr (NM_001127501.4); c.1171G>A, p.Ala391Thr (NM_001177520.3); c.1402G>A, p.Ala468Thr (NM_001369803.2, NM_001369804.2, NM_001369805.2); short protein forms A391T, A413T, A468T.
Identifiers: ClinVar variation 1457578 (VCV001457578.15), dbSNP rs1196976671, ClinGen allele CA338882123.